The following is an entry in ClinVar:

ClinVar aggregate classification (germline): Pathogenic (1 of 4 stars; one submission).

Submission:

Labcorp Genetics (formerly Invitae), Labcorp
Classification: Pathogenic. Last evaluated: 2024-08-11. Review status: criteria provided, single submitter. Criteria: Invitae Variant Classification Sherloc (09022015). Collection method: clinical testing. Allele origin: germline.
Comment: This sequence change creates a premature translational stop signal (p.Trp323*) in the MME gene. It is expected to result in an absent or disrupted protein product. Loss-of-function variants in MME are known to be pathogenic (PMID: 26991897). This variant is not present in population databases (gnomAD no frequency). This variant has not been reported in the literature in individuals affected with MME-related conditions. Algorithms developed to predict the effect of sequence changes on RNA splicing suggest that this variant may disrupt the consensus splice site. For these reasons, this variant has been classified as Pathogenic.

Literature cited by the submitters: PubMed 26991897.

NM_007289.4(MME):c.969G>A (p.Trp323Ter)

Gene: MME (membrane metalloendopeptidase; plus strand). Cytogenetic location: 3q25.2.
Variant type: single nucleotide variant.
Coding change: c.969G>A on transcript NM_007289.4 (MANE Select); coding-DNA position 969, G replaced by A.
Protein change: p.Trp323Ter; replaces tryptophan 323 with a stop codon.
Molecular consequence: nonsense.
Genome position (GRCh38, 1-based): chr3:155,142,002, G>A. VCF-style: chr3-155142002-G-A. GRCh37 (hg19) VCF-style: chr3-154859791-G-A.
Other names: c.969G>A, p.Trp323Ter (NM_000902.5, NM_001354642.2, NM_001354643.1 and 2 more transcripts); short protein forms W323*.
Identifiers: ClinVar variation 3692900 (VCV003692900.2).